The following is an entry in ClinVar:

ClinVar aggregate classification (germline): Conflicting classifications of pathogenicity. Review status: criteria provided, conflicting classifications (1 of 4 stars). 3 submissions from 3 submitters: Likely pathogenic (1); Uncertain significance (2). Last evaluated 2023-05-02.

Conditions:
Autosomal recessive spinocerebellar ataxia 12. Also called: SPINOCEREBELLAR ATAXIA WITH MENTAL RETARDATION AND EPILEPSY. Identifiers: Orphanet 284282, MedGen C3280452, MONDO:0013687, OMIM 614322.
Developmental and epileptic encephalopathy, 1 (DEE1). Also called: INFANTILE SPASM SYNDROME, X-LINKED 1; X-linked infantile spasms; West's syndrome; Tonic spasms with clustering, arrest of psychomotor development and hypsarrhythmia on EEG; X-Linked Infantile Spasm Syndrome; OHTAHARA SYNDROME, X-LINKED. Identifiers: MedGen C3463992, MONDO:0010632, OMIM 308350. Disease mechanism: loss of function.

gnomAD v4.1: 4 of 1,614,118 alleles (0.00025%); highest among the groups gnomAD compares: Non-Finnish European, 0.00034%; no homozygotes.

Submissions (3):

Women's Health and Genetics/Laboratory Corporation of America, LabCorp
Classification: Uncertain significance. Last evaluated: 2023-05-02. Review status: criteria provided, single submitter. Criteria: LabCorp Variant Classification Summary - May 2015. Collection method: clinical testing. Allele origin: germline.
Comment: Variant summary: WWOX c.1165C>T (p.Gln389X) results in a premature termination codon in the last exon and is predicted to cause a truncation of the encoded protein or absence of the protein. The variant was absent in 249536 control chromosomes (gnomAD). The available data on variant occurrences in the general population are insufficient to allow any conclusion about variant significance. To our knowledge, no occurrence of c.1165C>T in individuals affected with Early Infantile Epileptic Encephalopathy, Autosomal Recessive and no experimental evidence demonstrating its impact on protein function have been reported. Two clinical diagnostic laboratories have submitted clinical-significance assessments for this variant to ClinVar after 2014 and classified the variant as likely pathogenic, and as uncertain significance. Based on the evidence outlined above, the variant was classified as uncertain significance.

GeneDx
Classification: Likely pathogenic. Last evaluated: 2022-12-16. Review status: criteria provided, single submitter. Criteria: GeneDx Variant Classification Process June 2021. Collection method: clinical testing. Allele origin: germline. Affected: yes.
Comment: Nonsense variant in the C-terminus predicted to result in protein truncation, as the last 26 amino acids are lost, and other loss-of-function variants have been reported downstream in HGMD; Not observed at significant frequency in large population cohorts (gnomAD); Has not been previously published as pathogenic or benign to our knowledge

Labcorp Genetics (formerly Invitae), Labcorp
Classification: Uncertain significance for Developmental and epileptic encephalopathy, 1; Autosomal recessive spinocerebellar ataxia 12. Last evaluated: 2021-04-03. Review status: criteria provided, single submitter. Criteria: Invitae Variant Classification Sherloc (09022015). Collection method: clinical testing. Allele origin: germline.
Comment: In summary, the available evidence is currently insufficient to determine the role of this variant in disease. Therefore, it has been classified as a Variant of Uncertain Significance. This sequence change creates a premature translational stop signal (p.Gln389*) in the WWOX gene. While this is not anticipated to result in nonsense mediated decay, it is expected to disrupt the last 26 amino acid(s) of the WWOX protein. This variant is not present in population databases (ExAC no frequency). This variant has not been reported in the literature in individuals with WWOX-related conditions. Experimental studies and prediction algorithms are not available or were not evaluated, and the functional significance of this variant is currently unknown.

NM_016373.4(WWOX):c.1165C>T (p.Gln389Ter)

Genes: MAF (MAF bZIP transcription factor; minus strand), WWOX (WW domain containing oxidoreductase; plus strand). Cytogenetic location: 16q23.2.
Variant type: single nucleotide variant.
Coding change: c.1165C>T on transcript NM_016373.4 (MANE Select); coding-DNA position 1165, C replaced by T.
Protein change: p.Gln389Ter; replaces glutamine 389 with a stop codon.
Molecular consequence: nonsense.
Genome position (GRCh38, 1-based): chr16:79,211,716, C>T. VCF-style: chr16-79211716-C-T. GRCh37 (hg19) VCF-style: chr16-79245613-C-T.
Other names: c.826C>T, p.Gln276Ter (NM_001291997.2); c.1165C>T (NM_016373.3); short protein forms Q276*, Q389*.
Identifiers: ClinVar variation 1356028 (VCV001356028.7), dbSNP rs1484856529, ClinGen allele CA396537193.